The following is an entry in ClinVar:

NM_033026.6(PCLO):c.14788C>T (p.Pro4930Ser)

Gene: PCLO (piccolo presynaptic cytomatrix protein; minus strand). Cytogenetic location: 7q21.11.
Variant type: single nucleotide variant.
Coding change: c.14788C>T on transcript NM_033026.6 (MANE Select); coding-DNA position 14788, C replaced by T.
Protein change: p.Pro4930Ser; replaces proline 4930 with serine.
Molecular consequence: missense variant.
Genome position (GRCh38, 1-based): chr7:82,822,498, G>A on the plus strand (C>T on the coding strand, the complement: PCLO is on the minus strand). VCF-style: chr7-82822498-G-A. GRCh37 (hg19) VCF-style: chr7-82451814-G-A.
Other names: c.14788C>T, p.Pro4930Ser (NM_014510.3); short protein forms P4930S.
Identifiers: ClinVar variation 1349522 (VCV001349522.5), dbSNP rs780570052, ClinGen allele CA4318721.

ClinVar aggregate classification (germline): Uncertain significance (1 of 4 stars; one submission).

Allele frequency attached by ClinVar (database versions not stated): gnomAD exomes below 0.00001 and 0.00001; ExAC 0.00001; TOPMed 0.00001.

Submission:

Labcorp Genetics (formerly Invitae), Labcorp
Classification: Uncertain significance. Last evaluated: 2021-09-01. Review status: criteria provided, single submitter. Criteria: Invitae Variant Classification Sherloc (09022015). Collection method: clinical testing. Allele origin: germline.
Comment: This sequence change replaces proline with serine at codon 4930 of the PCLO protein (p.Pro4930Ser). The proline residue is moderately conserved and there is a moderate physicochemical difference between proline and serine. This variant is present in population databases (rs780570052, ExAC 0.001%). This variant has not been reported in the literature in individuals affected with PCLO-related conditions. Algorithms developed to predict the effect of missense changes on protein structure and function are either unavailable or do not agree on the potential impact of this missense change (SIFT: "Deleterious"; PolyPhen-2: "Not Available"; Align-GVGD: "Class C0"). In summary, the available evidence is currently insufficient to determine the role of this variant in disease. Therefore, it has been classified as a Variant of Uncertain Significance.